The following is an entry in ClinVar:

ClinVar aggregate classification (germline): Pathogenic/Likely pathogenic. Review status: criteria provided, multiple submitters, no conflicts (2 of 4 stars). 3 submissions from 3 submitters: Pathogenic (1); Likely pathogenic (2). Last evaluated 2025-02-24.

Conditions:
Juberg-Hayward syndrome (JHS). Also called: OROCRANIODIGITAL SYNDROME; Cleft lip/palate with abnormal thumbs and microcephaly. Identifiers: Orphanet 2319, MedGen C0796099, MONDO:0008992, OMIM 216100.
Roberts-SC phocomelia syndrome (RBS). Also called: Pseudothalidomide syndrome; Appelt-Gerken-Lenz syndrome; LONG BONE DEFICIENCIES ASSOCIATED WITH CLEFT LIP-PALATE; ESCO2 Spectrum Disorder; Hypomelia hypotrichosis facial hemangioma syndrome. Identifiers: Orphanet 3103, MedGen C0392475, MONDO:0100253, OMIM 268300.

Submissions (3):

Natera, Inc.
Classification: Likely pathogenic for Roberts syndrome. Last evaluated: 2025-02-24. Review status: criteria provided, single submitter. Criteria: Natera Variant Classification Schema (03/2026). Collection method: clinical testing. Allele origin: germline.
Comment: The c.76_77delCT variant in ESCO2 is a frameshift variant predicted to shift the reading frame beginning at codon 26 and leads to a stop codon 5 codons downstream. This variant is expected to result in nonsense mediated decay, truncation, or a dysfunctional protein product. This variant is rare in the general population with a frequency below the threshold expected for the associated phenotype(s). Given the available evidence, this variant is classified as Likely Pathogenic.

Fulgent Genetics
Classification: Likely pathogenic for Juberg-Hayward syndrome; Roberts-SC phocomelia syndrome. Last evaluated: 2024-06-15. Review status: criteria provided, single submitter. Criteria: ACMG Guidelines, 2015. Collection method: clinical testing. Allele origin: germline.

Labcorp Genetics (formerly Invitae), Labcorp
Classification: Pathogenic. Last evaluated: 2024-02-07. Review status: criteria provided, single submitter. Criteria: Invitae Variant Classification Sherloc (09022015). Collection method: clinical testing. Allele origin: germline.
Comment: This sequence change creates a premature translational stop signal (p.Leu26Valfs*5) in the ESCO2 gene. It is expected to result in an absent or disrupted protein product. Loss-of-function variants in ESCO2 are known to be pathogenic (PMID: 15821733, 16380922). This variant is present in population databases (rs768055962, gnomAD 0.006%). This variant has not been reported in the literature in individuals affected with ESCO2-related conditions. ClinVar contains an entry for this variant (Variation ID: 1376665). For these reasons, this variant has been classified as Pathogenic.

Literature cited by the submitters: PubMed 15821733 (cited by Labcorp Genetics (formerly Invitae), Labcorp); PubMed 16380922 (cited by Labcorp Genetics (formerly Invitae), Labcorp).

NM_001017420.3(ESCO2):c.76_77del (p.Leu26fs)

Gene: ESCO2 (establishment of sister chromatid cohesion N-acetyltransferase 2; plus strand). Cytogenetic location: 8p21.1.
Variant type: Deletion.
Coding change: c.76_77del on transcript NM_001017420.3 (MANE Select); coding-DNA positions 76 to 77, 2 bases deleted (CT; older notation c.76_77delCT).
Protein change: p.Leu26fs; shifts the reading frame from leucine 26.
Molecular consequence: frameshift variant.
Genome position (GRCh38, 1-based): chr8:27,776,384-27,776,385, CT deleted; deleting any 2 consecutive bases within chr8:27,776,383-27,776,385 gives the same sequence; the c. name uses the placement nearest the transcript's 3' end. VCF-style (leftmost placement, unchanged base first): chr8-27776382-ATC-A. GRCh37 (hg19) VCF-style: chr8-27633899-ATC-A.
Other names: short protein forms L26fs.
Identifiers: ClinVar variation 1376665 (VCV001376665.7), dbSNP rs768055962, ClinGen allele CA4691997.
Genomic context (GRCh38, chr8:27,776,382, plus strand): 5'-GCAAAATAATCTTATCAATGGACTTTGTTTCTTTTTATAGCCTTTTACACTTCACTGAAA[ATC>A]TGTTTCCATCACCTAATAAAAAGCACTGTTTTTATCAAAACAGTGATAAAAATGAAGAAA-3'